The following is an entry in ClinVar:

ClinVar aggregate classification (germline): Uncertain significance (1 of 4 stars; one submission).

Submission:

ARUP Laboratories, Molecular Genetics and Genomics, ARUP Laboratories
Classification: Uncertain significance. Last evaluated: 2020-04-08. Review status: criteria provided, single submitter. Criteria: ARUP Molecular Germline Variant Investigation Process. Collection method: clinical testing. Allele origin: germline.
Comment: The FLT4 c.3436C>G; p.Arg1146Gly variant, to our knowledge, is not reported in the medical literature or gene-specific databases. This variant is also absent from general population databases (Exome Variant Server, Genome Aggregation Database), indicating it is not a common polymorphism. The arginine at codon 1146 is weakly conserved, and computational analyses (SIFT, PolyPhen-2) predict that this variant is tolerated. Given the lack of clinical and functional data, the significance of the p.Arg1146Gly variant is uncertain at this time.

NM_182925.5(FLT4):c.3436C>G (p.Arg1146Gly)

Gene: FLT4 (fms related receptor tyrosine kinase 4; minus strand). Cytogenetic location: 5q35.3.
Variant type: single nucleotide variant.
Coding change: c.3436C>G on transcript NM_182925.5 (MANE Select); coding-DNA position 3436, C replaced by G.
Protein change: p.Arg1146Gly; replaces arginine 1146 with glycine.
Molecular consequence: missense variant.
Genome position (GRCh38, 1-based): chr5:180,612,607, G>C on the plus strand (C>G on the coding strand, the complement: FLT4 is on the minus strand). VCF-style: chr5-180612607-G-C. GRCh37 (hg19) VCF-style: chr5-180039607-G-C.
Other names: c.3436C>G, p.Arg1146Gly (NM_001354989.2, NM_002020.5); short protein forms R1146G.
Identifiers: ClinVar variation 994302 (VCV000994302.8), dbSNP rs774089319, ClinGen allele CA362499866.
Genomic context (GRCh38, chr5:180,612,607, plus strand): 5'-CCAGCTCCGAGAATGCAGGTCTCGCCTTGGGGTCTCCGGACCAGCAGTTCAGCATGATGC[G>C]GCGTCTGCAGGATCACGTGGGCTGCTGGACTGCATGCACCCCACCCCCGTCCCAGGACCT-3'
Protein context (NP_891555.2, residues 1136-1156): APELATPAIR[Arg1146Gly]IMLNCWSGDP